The following is an entry in ClinVar:

ClinVar aggregate classification (germline): Uncertain significance. Review status: criteria provided, multiple submitters, no conflicts (2 of 4 stars). 3 submissions from 3 submitters: Uncertain significance (3). Last evaluated 2025-03-20.

Conditions:
Exostoses, multiple, type 2 (EXT2). Also called: EXOSTOSES, MULTIPLE, TYPE II; Hereditary Multiple Osteochondromatosis, Type II. Identifiers: Orphanet 321, MedGen C1851413, MONDO:0007586, OMIM 133701.
Inborn genetic diseases. Identifiers: MedGen C0950123, MeSH D030342.

Allele frequency attached by ClinVar (database versions not stated): gnomAD exomes below 0.00001 and 0.00002; gnomAD 0.00001 and 0.00002; TOPMed 0.00001; ExAC 0.00002; 1000 Genomes Project 0.00040; 1000 Genomes Project 30x 0.00047.
gnomAD v4.1: 6 of 1,614,080 alleles (0.00037%); highest among the groups gnomAD compares: East Asian, 0.011%; no homozygotes.

Submissions (3):

Labcorp Genetics (formerly Invitae), Labcorp
Classification: Uncertain significance for Exostoses, multiple, type 2. Last evaluated: 2025-03-20. Review status: criteria provided, single submitter. Criteria: Invitae Variant Classification Sherloc (09022015). Collection method: clinical testing. Allele origin: germline.
Comment: This sequence change replaces glycine, which is neutral and non-polar, with serine, which is neutral and polar, at codon 214 of the EXT2 protein (p.Gly214Ser). This variant is present in population databases (rs550761834, gnomAD 0.03%). This variant has not been reported in the literature in individuals affected with EXT2-related conditions. ClinVar contains an entry for this variant (Variation ID: 1430637). Invitae Evidence Modeling of protein sequence and biophysical properties (such as structural, functional, and spatial information, amino acid conservation, physicochemical variation, residue mobility, and thermodynamic stability) indicates that this missense variant is not expected to disrupt EXT2 protein function with a negative predictive value of 95%. In summary, the available evidence is currently insufficient to determine the role of this variant in disease. Therefore, it has been classified as a Variant of Uncertain Significance.

Baylor Genetics
Classification: Uncertain significance for Exostoses, multiple, type 2. Last evaluated: 2023-10-30. Review status: criteria provided, single submitter. Criteria: ACMG Guidelines, 2015. Collection method: clinical testing. Allele origin: unknown.

Ambry Genetics
Classification: Uncertain significance for Inborn genetic diseases. Last evaluated: 2023-02-22. Review status: criteria provided, single submitter. Criteria: Ambry Variant Classification Scheme 2023. Collection method: clinical testing. Allele origin: germline.

NM_207122.2(EXT2):c.640G>A (p.Gly214Ser)

Gene: EXT2 (exostosin glycosyltransferase 2; plus strand). Cytogenetic location: 11p11.2.
Variant type: single nucleotide variant.
Coding change: c.640G>A on transcript NM_207122.2 (MANE Select); coding-DNA position 640, G replaced by A.
Protein change: p.Gly214Ser; replaces glycine 214 with serine.
Molecular consequence: missense variant.
Genome position (GRCh38, 1-based): chr11:44,114,198, G>A. VCF-style: chr11-44114198-G-A. GRCh37 (hg19) VCF-style: chr11-44135748-G-A.
Other names: c.640G>A (NM_207122.1); c.739G>A, p.Gly247Ser (NM_000401.3); c.640G>A, p.Gly214Ser (NM_001178083.3, NM_001389628.1, NM_001389630.1); short protein forms G247S, G214S.
Identifiers: ClinVar variation 1430637 (VCV001430637.8), dbSNP rs550761834, ClinGen allele CA5954966.